The following is an entry in ClinVar:

ClinVar aggregate classification (germline): Uncertain significance (1 of 4 stars; one submission).

Conditions:
Ataxia-telangiectasia syndrome (AT). Also called: LOUIS-BAR SYNDROME; AT, COMPLEMENTATION GROUP C; ATAXIA-TELANGIECTASIA, COMPLEMENTATION GROUP A; ATAXIA-TELANGIECTASIA, FRESNO VARIANT; Ataxia-telangiectasia; Cerebello-oculocutaneous telangiectasia. Identifiers: Orphanet 100, MedGen C0004135, MONDO:0008840, OMIM 208900.

Submission:

Labcorp Genetics (formerly Invitae), Labcorp
Classification: Uncertain significance for Ataxia-telangiectasia syndrome. Last evaluated: 2023-09-12. Review status: criteria provided, single submitter. Criteria: Invitae Variant Classification Sherloc (09022015). Collection method: clinical testing. Allele origin: germline.
Comment: This sequence change replaces serine, which is neutral and polar, with asparagine, which is neutral and polar, at codon 1324 of the ATM protein (p.Ser1324Asn). This variant is not present in population databases (gnomAD no frequency). This variant has not been reported in the literature in individuals affected with ATM-related conditions. An algorithm developed to predict the effect of missense changes on protein structure and function (PolyPhen-2) suggests that this variant is likely to be tolerated. In summary, the available evidence is currently insufficient to determine the role of this variant in disease. Therefore, it has been classified as a Variant of Uncertain Significance.

NM_000051.4(ATM):c.3971G>A (p.Ser1324Asn)

Gene: ATM (ATM serine/threonine kinase; plus strand). Cytogenetic location: 11q22.3.
Variant type: single nucleotide variant.
Coding change: c.3971G>A on transcript NM_000051.4 (MANE Select); coding-DNA position 3971, G replaced by A.
Protein change: p.Ser1324Asn; replaces serine 1324 with asparagine.
Molecular consequence: missense variant.
Genome position (GRCh38, 1-based): chr11:108,284,451, G>A. VCF-style: chr11-108284451-G-A. GRCh37 (hg19) VCF-style: chr11-108155178-G-A.
Other names: c.3971G>A, p.Ser1324Asn (NM_001351834.2); short protein forms S1324N.
Identifiers: ClinVar variation 2760321 (VCV002760321.3), dbSNP rs1456873569, ClinGen allele CA382526135.
Genomic context (GRCh38, chr11:108,284,451, plus strand): 5'-GAGACAGTGGGATGGCACAGCAAAGAGAGACTGCTACCAAGGTCTATGATATGCTTAAAA[G>A]TGAAAACTTATTGGGAAAACAGGTATGGCTTCAATTTTTATGTACTTTTCATTCCCTGAA-3'
Protein context (NP_000042.3, residues 1314-1334): TATKVYDMLK[Ser1324Asn]ENLLGKQIDH